The following is an entry in ClinVar:

NM_001046.3(SLC12A2):c.2476G>A (p.Gly826Ser)

Gene: SLC12A2 (solute carrier family 12 member 2; plus strand). Cytogenetic location: 5q23.3.
Variant type: single nucleotide variant.
Coding change: c.2476G>A on transcript NM_001046.3 (MANE Select); coding-DNA position 2476, G replaced by A.
Protein change: p.Gly826Ser; replaces glycine 826 with serine.
Molecular consequence: missense variant. On other transcripts: non-coding transcript variant (1).
Genome position (GRCh38, 1-based): chr5:128,161,660, G>A. VCF-style: chr5-128161660-G-A. GRCh37 (hg19) VCF-style: chr5-127497352-G-A.
Other names: c.2476G>A (NM_001046.2); c.2476G>A, p.Gly826Ser (NM_001256461.2); short protein forms G826S.
Identifiers: ClinVar variation 1665787 (VCV001665787.10), dbSNP rs145906084, ClinGen allele CA3393380.

ClinVar aggregate classification (germline): Conflicting classifications of pathogenicity. Review status: criteria provided, conflicting classifications (1 of 4 stars). 3 submissions from 3 submitters: Uncertain significance (2); Likely benign (1). Last evaluated 2025-07-10.

Conditions:
Inborn genetic diseases. Identifiers: MedGen C0950123, MeSH D030342.
SLC12A2-related disorder. Also called: SLC12A2-related disorders; SLC12A2-related condition.

Allele frequency attached by ClinVar (database versions not stated): 1000 Genomes Project 30x 0.00047; gnomAD 0.00051 and 0.00044; ExAC 0.00058; ESP Exome Variant Server 0.00077; gnomAD exomes 0.00010; 1000 Genomes Project 0.00040.
gnomAD v4.1: 112 of 1,380,092 alleles (0.0081%); highest among the groups gnomAD compares: African/African-American, 0.16%; no homozygotes.

Submissions (3):

Labcorp Genetics (formerly Invitae), Labcorp
Classification: Likely benign. Last evaluated: 2025-07-10. Review status: criteria provided, single submitter. Criteria: Invitae Variant Classification Sherloc (09022015). Collection method: clinical testing. Allele origin: germline.

Ambry Genetics
Classification: Uncertain significance for Inborn genetic diseases. Last evaluated: 2024-11-28. Review status: criteria provided, single submitter. Criteria: Ambry Variant Classification Scheme 2023. Collection method: clinical testing. Allele origin: germline.

PreventionGenetics, part of Exact Sciences
Classification: Uncertain significance for SLC12A2-related condition. Last evaluated: 2024-10-18. Review status: criteria provided, single submitter. Criteria: ACMG Guidelines, 2015. Collection method: clinical testing. Allele origin: germline.
Comment: The SLC12A2 c.2476G>A variant is predicted to result in the amino acid substitution p.Gly826Ser. To our knowledge, this variant has not been reported in the literature. This variant is reported in 0.14% of alleles in individuals of African descent in gnomAD. Although we suspect that this variant may be benign, at this time, the clinical significance of this variant is uncertain due to the absence of conclusive functional and genetic evidence.